The following is an entry in ClinVar:

NM_001367549.1(ATP13A3):c.283C>T (p.Pro95Ser)

Gene: ATP13A3 (ATPase 13A3; minus strand). Cytogenetic location: 3q29.
Variant type: single nucleotide variant.
Coding change: c.283C>T on transcript NM_001367549.1 (MANE Select); coding-DNA position 283, C replaced by T.
Protein change: p.Pro95Ser; replaces proline 95 with serine.
Molecular consequence: missense variant. On other transcripts: non-coding transcript variant (2).
Genome position (GRCh38, 1-based): chr3:194,459,914, G>A on the plus strand (C>T on the coding strand, the complement: ATP13A3 is on the minus strand). VCF-style: chr3-194459914-G-A. GRCh37 (hg19) VCF-style: chr3-194180643-G-A.
Other names: c.283C>T, p.Pro95Ser (NM_001374836.1, NM_001437993.1, NM_024524.4); short protein forms P95S.
Identifiers: ClinVar variation 4729121 (VCV004729121.1).

ClinVar aggregate classification (germline): Uncertain significance (1 of 4 stars; one submission).

Submission:

Labcorp Genetics (formerly Invitae), Labcorp
Classification: Uncertain significance. Last evaluated: 2025-10-13. Review status: criteria provided, single submitter. Criteria: Invitae Variant Classification Sherloc (09022015). Collection method: clinical testing. Allele origin: germline.
Comment: This sequence change replaces proline, which is neutral and non-polar, with serine, which is neutral and polar, at codon 95 of the ATP13A3 protein (p.Pro95Ser). This variant is not present in population databases (gnomAD no frequency). This variant has not been reported in the literature in individuals affected with ATP13A3-related conditions. An algorithm developed to predict the effect of missense changes on protein structure and function outputs the following: PolyPhen-2: "Benign". The serine amino acid residue is found in multiple mammalian species, which suggests that this missense change does not adversely affect protein function. In summary, the available evidence is currently insufficient to determine the role of this variant in disease. Therefore, it has been classified as a Variant of Uncertain Significance.